The following is an entry in ClinVar:

NM_001347721.2(DYRK1A):c.10+3G>C

Gene: DYRK1A (dual specificity tyrosine phosphorylation regulated kinase 1A; plus strand). Cytogenetic location: 21q22.13.
Variant type: single nucleotide variant.
Coding change: c.10+3G>C on transcript NM_001347721.2 (MANE Select); 3 bases into the intron after coding-DNA position 10, G replaced by C.
Molecular consequence: intron variant.
Genome position (GRCh38, 1-based): chr21:37,420,387, G>C. VCF-style: chr21-37420387-G-C. GRCh37 (hg19) VCF-style: chr21-38792689-G-C.
Other names: c.10+3G>C (NM_001396.5, NM_001347722.2, NM_101395.2 and 2 more transcripts); c.-77-52297G>C (NM_001347723.2).
Identifiers: ClinVar variation 929170 (VCV000929170.1), dbSNP rs2050442348, ClinGen allele CA1139666874.

ClinVar aggregate classification (germline): Uncertain significance (1 of 4 stars; one submission).

Submission:

Women's Health and Genetics/Laboratory Corporation of America, LabCorp
Classification: Uncertain significance. Last evaluated: 2019-01-15. Review status: criteria provided, single submitter. Criteria: LabCorp Variant Classification Summary - May 2015. Collection method: clinical testing. Allele origin: germline.
Comment: Variant summary: DYRK1A c.10+3G>C alters a conserved nucleotide located close to a canonical splice site and therefore could affect mRNA splicing, leading to a significantly altered protein sequence. Several computational tools predict an impact on normal splicing: One predict the variant abolishes a 5' splicing donor site. Four predict the variant weakens a 5' donor site. However, these predictions have yet to be confirmed by functional studies. The variant was absent in 244148 control chromosomes (gnomAD). The available data on variant occurrences in the general population are insufficient to allow any conclusion about variant significance. To our knowledge, no occurrence of c.10+3G>C in individuals affected with Mental retardation, autosomal dominant 7 and no experimental evidence demonstrating its impact on protein function have been reported. No clinical diagnostic laboratories have submitted clinical-significance assessments for this variant to ClinVar after 2014. Based on the evidence outlined above, the variant was classified as uncertain significance.